The following is an entry in ClinVar:

NM_005901.6(SMAD2):c.549_550insCC (p.Thr184fs)

Gene: SMAD2 (SMAD family member 2; minus strand). Cytogenetic location: 18q21.1.
Variant type: Insertion.
Coding change: c.549_550insCC on transcript NM_005901.6 (MANE Select); coding-DNA positions 549 to 550, CC inserted.
Protein change: p.Thr184fs; shifts the reading frame from threonine 184.
Molecular consequence: frameshift variant.
Genome position: GRCh38 VCF-style: chr18-47868428-T-TGG. GRCh37 (hg19) VCF-style: chr18-45394799-T-TGG.
Other names: c.549_550insCC, p.Thr184fs (NM_001003652.4); c.459_460insCC, p.Thr154fs (NM_001135937.3); short protein forms T184fs, T154fs.
Identifiers: ClinVar variation 818019 (VCV000818019.1), dbSNP rs1598802389, ClinGen allele CA915951550.
Genomic context (GRCh38, chr18:47,868,428, plus strand): 5'-TGTTTTCTGGAATGGAGTGAGTATAGTCATCCAGAGGCGGAAGTTCTGTTAGGATCTCGG[T>TGG]GTGTCGGGGCACTAATACTGGAGGCAAAACTGAAAAAGTTCAAGAAATCCAAGTTAATGG-3'

ClinVar aggregate classification (germline): Pathogenic (1 of 4 stars; one submission).

Submission:

GeneDx
Classification: Pathogenic. Last evaluated: 2019-02-06. Review status: criteria provided, single submitter. Criteria: GeneDx Variant Classification (06012015). Collection method: clinical testing. Allele origin: germline. Affected: yes.
Comment: The c.549_550insCC variant in the SMAD2 gene has not been reported previously as a pathogenic variant nor as a benign variant, to our knowledge. The c.549_550insCC variant causes a frameshift starting with codon Threonine 184, changes this amino acid to a Proline residue, and creates a premature Stop codon at position 5 of the new reading frame, denoted p.Thr184ProfsX5. This variant is predicted to cause loss of normal protein function either through protein truncation or nonsense-mediated mRNA decay. The c.549_550insCC variant is not observed in large population cohorts (Lek et al., 2016). We interpret c.549_550insCC as a pathogenic variant,